The following is an entry in ClinVar:

ClinVar aggregate classification (germline): Uncertain significance. Review status: reviewed by expert panel (3 of 4 stars). 3 submissions from 3 submitters: Uncertain significance (1). 2 of the submissions do not count toward it. Last evaluated 2025-08-01.

Conditions:
RYR1-related disorder. Also called: RYR1-related disorders; RYR1-related condition. Identifiers: MedGen CN239331.
Malignant hyperthermia, susceptibility to, 1 (MHS1). Also called: RYR1-Related Malignant Hyperthermia Susceptibility; Malignant hyperthermia suceptibility 1; Anesthesia related hyperthermia; Malignant hyperpyrexia; Fulminating hyperpyrexia; Pharmacogenic myopathy. Identifiers: Orphanet 423, MedGen C2930980, MONDO:0007783, OMIM 145600.

Submissions (3):

ClinGen Malignant Hyperthermia Susceptibility Variant Curation Expert Panel, ClinGen
Classification: Uncertain significance for Malignant hyperthermia, susceptibility to, 1. Last evaluated: 2025-08-01. Review status: reviewed by expert panel. Criteria: ClinGen MHS ACMG Specifications V2. Collection method: curation. Allele origin: germline. Inheritance: Autosomal dominant inheritance. Study: ClinGen.
Comment: This pathogenicity assessment is relevant only for malignant hyperthermia susceptibility (MHS) inherited in an autosomal dominant pattern. Variants in RYR1 can also cause other myopathies inherited in an autosomal dominant pattern or in an autosomal recessive pattern. Some of these disorders may predispose individuals to malignant hyperthermia. RYR1 variants may also contribute to a malignant hyperthermia reaction in combination with other genetic and non-genetic factors and the clinician needs to consider such factors in making management decisions. This sequence variant predicts a substitution of methionine with lysine at codon 226 of the RYR1 protein, p.(Met226Lys). This variant was not present in a large population database (gnomAD) at the time this variant was interpreted. This variant has been reported in three unrelated individuals who have a personal or family history of a malignant hyperthermia reaction, three of these individuals had a positive in vitro contracture test (IVCT) or caffeine halothane contracture test (CHCT) result (if the proband was unavailable for testing, a positive diagnostic test result in a mutation-positive relative was counted), PS4_Moderate (PMID:19191329, PMID:24433488, PMID:30236257). No functional studies were identified for this variant. This variant resides in a region of RYR1 considered to be a hotspot for pathogenic variants that contribute to MHS, PM1 (PMID: 21118704). A REVEL score of 0.841 supports neither a pathogenic nor a benign status for this variant. This variant has been classified as a Variant of Unknown Significance. Criteria implemented: PS4_Moderate, PM1.

PreventionGenetics, part of Exact Sciences
Classification: Uncertain significance for RYR1-related condition. Last evaluated: 2024-05-23. Review status: no assertion criteria provided. Collection method: clinical testing. Allele origin: germline. Not counted in ClinVar's aggregate classification.
Comment: The RYR1 c.677T>A variant is predicted to result in the amino acid substitution p.Met226Lys. This variant has been reported in two individuals with malignant hyperthermia, but no additional studies were done to assess its pathogenicity (Robinson et al. 2006. PubMed ID: 16917943; Miller et al. 2018. PubMed ID: 30236257). This variant has not been reported in a large population database, indicating this variant is rare. This variant is interpreted as uncertain by a ClinGen Expert Panel in ClinVar. At this time, the clinical significance of this variant is uncertain due to the absence of conclusive functional and genetic evidence.

RYR1 database
No classification provided. Review status: no classification provided. Collection method: not provided. Allele origin: unknown. Not counted in ClinVar's aggregate classification.

NM_000540.3(RYR1):c.677T>A (p.Met226Lys)

Gene: RYR1 (ryanodine receptor 1; plus strand). Cytogenetic location: 19q13.2.
Variant type: single nucleotide variant.
Coding change: c.677T>A on transcript NM_000540.3 (MANE Select); coding-DNA position 677, T replaced by A.
Protein change: p.Met226Lys; replaces methionine 226 with lysine.
Molecular consequence: missense variant.
Genome position (GRCh38, 1-based): chr19:38,446,517, T>A. VCF-style: chr19-38446517-T-A. GRCh37 (hg19) VCF-style: chr19-38937157-T-A.
Other names: NM_000540.2(RYR1):c.677T>A; c.677T>A, p.Met226Lys (NM_001042723.2); short protein forms M226K.
Identifiers: ClinVar variation 133170 (VCV000133170.6), dbSNP rs112596687, ClinGen allele CA024646.